The following is an entry in ClinVar:

ClinVar aggregate classification (germline): Uncertain significance (1 of 4 stars; one submission).

Conditions:
Fanconi anemia complementation group J. Also called: BRIP1-Related Fanconi Anemia. Identifiers: Orphanet 84, MedGen C1836860, MONDO:0012187, OMIM 609054.
Familial cancer of breast. Also called: BREAST CANCER, FAMILIAL; hereditary breast carcinoma; Hereditary breast cancer. Identifiers: Orphanet 227535, MedGen C0346153, MONDO:0016419, OMIM 114480. Disease mechanism: loss of function.

Submission:

Labcorp Genetics (formerly Invitae), Labcorp
Classification: Uncertain significance for Familial cancer of breast; Fanconi anemia complementation group J. Last evaluated: 2022-04-01. Review status: criteria provided, single submitter. Criteria: Invitae Variant Classification Sherloc (09022015). Collection method: clinical testing. Allele origin: germline.
Comment: This sequence change replaces leucine, which is neutral and non-polar, with glutamine, which is neutral and polar, at codon 946 of the BRIP1 protein (p.Leu946Gln). This variant is not present in population databases (gnomAD no frequency). This variant has not been reported in the literature in individuals affected with BRIP1-related conditions. Algorithms developed to predict the effect of missense changes on protein structure and function output the following: SIFT: "Tolerated"; PolyPhen-2: "Benign"; Align-GVGD: "Class C0". The glutamine amino acid residue is found in multiple mammalian species, which suggests that this missense change does not adversely affect protein function. In summary, the available evidence is currently insufficient to determine the role of this variant in disease. Therefore, it has been classified as a Variant of Uncertain Significance.

NM_032043.3(BRIP1):c.2837T>A (p.Leu946Gln)

Gene: BRIP1 (BRCA1 interacting DNA helicase 1; minus strand). Cytogenetic location: 17q23.2.
Variant type: single nucleotide variant.
Coding change: c.2837T>A on transcript NM_032043.3 (MANE Select); coding-DNA position 2837, T replaced by A.
Protein change: p.Leu946Gln; replaces leucine 946 with glutamine.
Molecular consequence: missense variant.
Genome position (GRCh38, 1-based): chr17:61,685,904, A>T on the plus strand (T>A on the coding strand, the complement: BRIP1 is on the minus strand). VCF-style: chr17-61685904-A-T. GRCh37 (hg19) VCF-style: chr17-59763265-A-T.
Other names: short protein forms L946Q.
Identifiers: ClinVar variation 2120182 (VCV002120182.4), dbSNP rs2144109471, ClinGen allele CA400481383.
Genomic context (GRCh38, chr17:61,685,904, plus strand): 5'-TTTCTGGAGATAATGCTACTTGGTAGAGGTGAATTTTTGGTAATAATTTTAGGACACTGT[A>T]GTTCCTGGACACATATCTTTGCTTCATCTTCCACAAAATTTTCTGGTGATAGATGACTTG-3'
Protein context (NP_114432.2, residues 936-956): EDEAKICVQE[Leu946Gln]QCPKIITKNS